The following is an entry in ClinVar:

ClinVar aggregate classification (germline): Uncertain significance (1 of 4 stars; one submission).

Conditions:
Epilepsy, X-linked 1, with variable learning disabilities and behavior disorders. Also called: X-linked epilepsy-learning disabilities-behavior disorders syndrome. Identifiers: Orphanet 85294, MedGen C5774177, MONDO:0010339, OMIM 300491.

Submission:

Labcorp Genetics (formerly Invitae), Labcorp
Classification: Uncertain significance for Epilepsy, X-linked 1, with variable learning disabilities and behavior disorders. Last evaluated: 2021-11-19. Review status: criteria provided, single submitter. Criteria: Invitae Variant Classification Sherloc (09022015). Collection method: clinical testing. Allele origin: germline.
Comment: This variant is not present in population databases (gnomAD no frequency). This sequence change replaces proline, which is neutral and non-polar, with leucine, which is neutral and non-polar, at codon 452 of the SYN1 protein (p.Pro452Leu). This variant has not been reported in the literature in individuals affected with SYN1-related conditions. Algorithms developed to predict the effect of missense changes on protein structure and function are either unavailable or do not agree on the potential impact of this missense change (SIFT: "Tolerated"; PolyPhen-2: "Possibly Damaging"; Align-GVGD: "Class C0"). In summary, the available evidence is currently insufficient to determine the role of this variant in disease. Therefore, it has been classified as a Variant of Uncertain Significance.

NM_006950.3(SYN1):c.1355C>T (p.Pro452Leu)

Gene: SYN1 (synapsin I; minus strand). Cytogenetic location: Xp11.3.
Variant type: single nucleotide variant.
Coding change: c.1355C>T on transcript NM_006950.3 (MANE Select); coding-DNA position 1355, C replaced by T.
Protein change: p.Pro452Leu; replaces proline 452 with leucine.
Molecular consequence: missense variant.
Genome position (GRCh38, 1-based): chrX:47,574,726, G>A on the plus strand (C>T on the coding strand, the complement: SYN1 is on the minus strand). VCF-style: chrX-47574726-G-A. GRCh37 (hg19) VCF-style: chrX-47434125-G-A.
Other names: c.1355C>T, p.Pro452Leu (NM_133499.2); short protein forms P452L.
Identifiers: ClinVar variation 1470997 (VCV001470997.6), dbSNP rs2147912468, ClinGen allele CA412824609.